The following is an entry in ClinVar:

NM_004304.5(ALK):c.4073+1G>A

Gene: ALK (ALK receptor tyrosine kinase; minus strand). Cytogenetic location: 2p23.2.
Variant type: single nucleotide variant.
Coding change: c.4073+1G>A on transcript NM_004304.5 (MANE Select); the canonical splice donor site of the intron after coding-DNA position 4073, G replaced by A.
Molecular consequence: splice donor variant.
Genome position (GRCh38, 1-based): chr2:29,197,541, C>T on the plus strand (G>A on the coding strand, the complement: ALK is on the minus strand). VCF-style: chr2-29197541-C-T. GRCh37 (hg19) VCF-style: chr2-29420407-C-T.
Other names: c.869+1G>A (NM_001353765.2).
Identifiers: ClinVar variation 2167268 (VCV002167268.4), dbSNP rs2148143168, ClinGen allele CA346465744.

ClinVar aggregate classification (germline): Uncertain significance (1 of 4 stars; one submission).

Conditions:
Neuroblastoma, susceptibility to, 3. Also called: ALK-Related Neuroblastic Tumor Susceptibility. Identifiers: Orphanet 635, MedGen C2751681, MONDO:0013083, OMIM 613014.

Submission:

Labcorp Genetics (formerly Invitae), Labcorp
Classification: Uncertain significance for Neuroblastoma, susceptibility to, 3. Last evaluated: 2024-06-13. Review status: criteria provided, single submitter. Criteria: Invitae Variant Classification Sherloc (09022015). Collection method: clinical testing. Allele origin: germline.
Comment: This sequence change affects a donor splice site in intron 27 of the ALK gene. It is expected to disrupt RNA splicing. Variants that disrupt the donor or acceptor splice site typically lead to a loss of protein function (PMID: 16199547), however the current clinical and genetic evidence is not sufficient to establish whether loss-of-function variants in ALK cause disease. This variant is not present in population databases (gnomAD no frequency). This variant has not been reported in the literature in individuals affected with ALK-related conditions. ClinVar contains an entry for this variant (Variation ID: 2167268). Algorithms developed to predict the effect of sequence changes on RNA splicing suggest that this variant may disrupt the consensus splice site. In summary, the available evidence is currently insufficient to determine the role of this variant in disease. Therefore, it has been classified as a Variant of Uncertain Significance.

Literature cited by the submitters: PubMed 16199547.